The following is an entry in ClinVar:

NM_012079.6(DGAT1):c.1311+2T>C

Gene: DGAT1 (diacylglycerol O-acyltransferase 1; minus strand). Cytogenetic location: 8q24.3.
Variant type: single nucleotide variant.
Coding change: c.1311+2T>C on transcript NM_012079.6 (MANE Select); the canonical splice donor site of the intron after coding-DNA position 1311, T replaced by C.
Molecular consequence: splice donor variant.
Genome position (GRCh38, 1-based): chr8:144,316,851, A>G on the plus strand (T>C on the coding strand, the complement: DGAT1 is on the minus strand). VCF-style: chr8-144316851-A-G. GRCh37 (hg19) VCF-style: chr8-145540514-A-G.
Identifiers: ClinVar variation 1960248 (VCV001960248.4), dbSNP rs782518859, ClinGen allele CA4936575.

ClinVar aggregate classification (germline): Uncertain significance. Review status: criteria provided, multiple submitters, no conflicts (2 of 4 stars). 2 submissions from 2 submitters: Uncertain significance (2). Last evaluated 2026-05-01.

Allele frequency attached by ClinVar (database versions not stated): gnomAD 0.00001; gnomAD exomes 0.00001; TOPMed 0.00002; ExAC 0.00003.
gnomAD v4.1: 13 of 1,608,970 alleles (0.00081%); highest among the groups gnomAD compares: South Asian, 0.0022%; no homozygotes.

Submissions (2):

CeGaT Center for Human Genetics Tuebingen
Classification: Uncertain significance. Last evaluated: 2026-05-01. Review status: criteria provided, single submitter. Criteria: CeGaT Center For Human Genetics Tuebingen Variant Classification Criteria Version 2. Collection method: clinical testing. Allele origin: germline. Affected: yes. Observed: 1 variant allele.
Comment: DGAT1: PM2

Labcorp Genetics (formerly Invitae), Labcorp
Classification: Uncertain significance. Last evaluated: 2022-02-25. Review status: criteria provided, single submitter. Criteria: Invitae Variant Classification Sherloc (09022015). Collection method: clinical testing. Allele origin: germline.
Comment: This sequence change affects a donor splice site in intron 16 of the DGAT1 gene. While this variant is not anticipated to result in nonsense mediated decay, it likely alters RNA splicing and results in a disrupted protein product. This variant is present in population databases (rs782518859, gnomAD 0.005%). Disruption of this splice site has been observed in individual(s) with congenital diarrhea (PMID: 31778854). Variants that disrupt the consensus splice site are a relatively common cause of aberrant splicing (PMID: 17576681, 9536098). Algorithms developed to predict the effect of sequence changes on RNA splicing suggest that this variant may disrupt the consensus splice site. In summary, the available evidence is currently insufficient to determine the role of this variant in disease. Therefore, it has been classified as a Variant of Uncertain Significance.

Literature cited by the submitters: PubMed 31778854 (cited by Labcorp Genetics (formerly Invitae), Labcorp); PubMed 17576681 (cited by Labcorp Genetics (formerly Invitae), Labcorp); PubMed 9536098 (cited by Labcorp Genetics (formerly Invitae), Labcorp).